The following is an entry in ClinVar:

ClinVar aggregate classification (germline): Pathogenic (1 of 4 stars; one submission).

Conditions:
Retinoblastoma (RB1). Also called: RETINOBLASTOMA, SOMATIC. Identifiers: Orphanet 790, MedGen C0035335, MeSH D012175, MONDO:0008380, OMIM 180200, HP:0009919. Disease mechanism: loss of function. Inheritance: Both sporadic and heritable forms are tested..

Submission:

Genetic Diagnostic Laboratory, University of Pennsylvania School of Medicine
Classification: Pathogenic for Retinoblastoma. Last evaluated: 2024-05-20. Review status: criteria provided, single submitter. Criteria: ACMG Guidelines, 2015. Collection method: clinical testing. Allele origin: germline. Affected: yes. Observed: 1 variant allele.
Comment: Case and Pedigree Information: BILATERAL CASES:1, UNILATERAL CASES:0, TOTAL CASES:1, PEDIGREES:1. ACMG Codes Applied:PVS1, PM2

NM_000321.3(RB1):c.338_341dup (p.Phe115fs)

Gene: RB1 (RB transcriptional corepressor 1; plus strand). Cytogenetic location: 13q14.2.
Variant type: Duplication.
Coding change: c.338_341dup on transcript NM_000321.3 (MANE Select); coding-DNA positions 338 to 341, 4 bases duplicated (TGTC; older notation c.338_341dupTGTC).
Protein change: p.Phe115fs; shifts the reading frame from phenylalanine 115.
Molecular consequence: frameshift variant.
Genome position (GRCh38, 1-based): chr13:48,342,672-48,342,675, TGTC duplicated. VCF-style (leftmost placement, unchanged base first): chr13-48342671-A-ATGTC. GRCh37 (hg19) VCF-style: chr13-48916807-A-ATGTC.
Other names: c.338_341dup, p.Phe115fs (NM_001407165.1, NM_001407166.1); short protein forms F115fs.
Identifiers: ClinVar variation 3237124 (VCV003237124.1), dbSNP rs2542156125.